The following is an entry in ClinVar:

NM_000257.4(MYH7):c.4652T>C (p.Leu1551Pro)

Genes: MHRT (myosin heavy chain associated RNA transcript; plus strand), MYH7 (myosin heavy chain 7; minus strand), LOC126861897 (BRD4-independent group 4 enhancer GRCh37_chr14:23884455-23885654; plus strand). Cytogenetic location: 14q11.2.
Variant type: single nucleotide variant.
Coding change: c.4652T>C on transcript NM_000257.4 (MANE Select); coding-DNA position 4652, T replaced by C.
Protein change: p.Leu1551Pro; replaces leucine 1551 with proline.
Molecular consequence: missense variant.
Genome position (GRCh38, 1-based): chr14:23,416,305, A>G on the plus strand (T>C on the coding strand, the complement: MYH7 is on the minus strand). VCF-style: chr14-23416305-A-G. GRCh37 (hg19) VCF-style: chr14-23885514-A-G.
Other names: c.4652T>C, p.Leu1551Pro (NM_001407004.1); short protein forms L1551P.
Identifiers: ClinVar variation 1929446 (VCV001929446.5), dbSNP rs2502245956, ClinGen allele CA389037929.
Genomic context (GRCh38, chr14:23,416,305, plus strand): 5'-TCTGCCTTGATCTGGTTGAACTCCAGCTGGGCCCGGAGGATCTTGCCCTCCTCGTGCTCC[A>G]GGGAGGCCTGGGAAGGGGTTGGGGGAGGGGATGCAGGCAGACAGTCAGGGCACAGGGCAG-3'
Protein context (NP_000248.2, residues 1541-1561): QSALEEAEAS[Leu1551Pro]EHEEGKILRA

ClinVar aggregate classification (germline): Uncertain significance (1 of 4 stars; one submission).

Conditions:
Hypertrophic cardiomyopathy. Also called: HYPERTROPHIC MYOCARDIOPATHY. Identifiers: Orphanet 217569, MedGen C0007194, MeSH D002312, MONDO:0005045, HP:0001639.

Submission:

Labcorp Genetics (formerly Invitae), Labcorp
Classification: Uncertain significance for Hypertrophic cardiomyopathy. Last evaluated: 2022-05-18. Review status: criteria provided, single submitter. Criteria: Invitae Variant Classification Sherloc (09022015). Collection method: clinical testing. Allele origin: germline.
Comment: In summary, the available evidence is currently insufficient to determine the role of this variant in disease. Therefore, it has been classified as a Variant of Uncertain Significance. Algorithms developed to predict the effect of missense changes on protein structure and function are either unavailable or do not agree on the potential impact of this missense change (SIFT: "Deleterious"; PolyPhen-2: "Possibly Damaging"; Align-GVGD: "Class C0"). This missense change has been observed in individual(s) with Laing distal myopathy (PMID: 32607476). This variant is not present in population databases (gnomAD no frequency). This sequence change replaces leucine, which is neutral and non-polar, with proline, which is neutral and non-polar, at codon 1551 of the MYH7 protein (p.Leu1551Pro).

Literature cited by the submitters: PubMed 32607476.